The following is an entry in ClinVar:

NM_000890.5(KCNJ5):c.1185T>G (p.Asp395Glu)

Gene: KCNJ5 (potassium inwardly rectifying channel subfamily J member 5; plus strand). Cytogenetic location: 11q24.3.
Variant type: single nucleotide variant.
Coding change: c.1185T>G on transcript NM_000890.5 (MANE Select); coding-DNA position 1185, T replaced by G.
Protein change: p.Asp395Glu; replaces aspartic acid 395 with glutamic acid.
Molecular consequence: missense variant.
Genome position (GRCh38, 1-based): chr11:128,916,656, T>G. VCF-style: chr11-128916656-T-G. GRCh37 (hg19) VCF-style: chr11-128786551-T-G.
Other names: c.1185T>G, p.Asp395Glu (NM_001354169.2); short protein forms D395E.
Identifiers: ClinVar variation 2995808 (VCV002995808.3), dbSNP rs751172956, ClinGen allele CA6358017.

ClinVar aggregate classification (germline): Uncertain significance (1 of 4 stars; one submission).

Conditions:
Long QT syndrome (LQTS). Identifiers: MedGen C0023976, MeSH D008133, MONDO:0002442. Disease mechanism: loss of function. Inheritance: Various modes of inheritance.

Allele frequency attached by ClinVar (database versions not stated): gnomAD exomes below 0.00001; ExAC 0.00001; gnomAD 0.00001; TOPMed 0.00001.

Submission:

Labcorp Genetics (formerly Invitae), Labcorp
Classification: Uncertain significance for Long QT syndrome. Last evaluated: 2023-05-22. Review status: criteria provided, single submitter. Criteria: Invitae Variant Classification Sherloc (09022015). Collection method: clinical testing. Allele origin: germline.
Comment: In summary, the available evidence is currently insufficient to determine the role of this variant in disease. Therefore, it has been classified as a Variant of Uncertain Significance. Advanced modeling of protein sequence and biophysical properties (such as structural, functional, and spatial information, amino acid conservation, physicochemical variation, residue mobility, and thermodynamic stability) performed at Invitae indicates that this missense variant is not expected to disrupt KCNJ5 protein function. This variant has not been reported in the literature in individuals affected with KCNJ5-related conditions. This variant is present in population databases (rs751172956, gnomAD 0.01%). This sequence change replaces aspartic acid, which is acidic and polar, with glutamic acid, which is acidic and polar, at codon 395 of the KCNJ5 protein (p.Asp395Glu).